The following is an entry in ClinVar:

NM_000181.4(GUSB):c.1886T>C (p.Ile629Thr)

Gene: GUSB (glucuronidase beta; minus strand). Cytogenetic location: 7q11.21.
Variant type: single nucleotide variant.
Coding change: c.1886T>C on transcript NM_000181.4 (MANE Select); coding-DNA position 1886, T replaced by C.
Protein change: p.Ile629Thr; replaces isoleucine 629 with threonine.
Molecular consequence: missense variant. On other transcripts: non-coding transcript variant (1).
Genome position (GRCh38, 1-based): chr7:65,960,967, A>G on the plus strand (T>C on the coding strand, the complement: GUSB is on the minus strand). VCF-style: chr7-65960967-A-G. GRCh37 (hg19) VCF-style: chr7-65425954-A-G.
Other names: c.1448T>C, p.Ile483Thr (NM_001284290.2); c.1316T>C, p.Ile439Thr (NM_001293104.2); c.1229T>C, p.Ile410Thr (NM_001293105.2); short protein forms I410T, I439T, I629T, I483T.
Identifiers: ClinVar variation 2170077 (VCV002170077.1), dbSNP rs2484733488, ClinGen allele CA367637214.
Genomic context (GRCh38, chr7:65,960,967, plus strand): 5'-AGGCTGTTTTCCAAACATTGTGACTTGGCTACTGAGTGGGGATACCTGGTTTCATTGGCA[A>G]TCTTCCAGTATCTCTCTCGCAAAAGGAACGCTGCACTTTTTGGTTGTCTCTGCCGAGTGA-3'
Protein context (NP_000172.2, residues 619-639): AFLLRERYWK[Ile629Thr]ANETRYPHSV

ClinVar aggregate classification (germline): Uncertain significance (1 of 4 stars; one submission).

Conditions:
Mucopolysaccharidosis type 7 (MPS7). Also called: BETA-GLUCURONIDASE DEFICIENCY; MPS VII; GUSB DEFICIENCY; SLY SYNDROME. Identifiers: Orphanet 584, MedGen C0085132, MONDO:0009662, OMIM 253220.

Submission:

Labcorp Genetics (formerly Invitae), Labcorp
Classification: Uncertain significance for Mucopolysaccharidosis type 7. Last evaluated: 2022-03-13. Review status: criteria provided, single submitter. Criteria: Invitae Variant Classification Sherloc (09022015). Collection method: clinical testing. Allele origin: germline.
Comment: This sequence change replaces isoleucine, which is neutral and non-polar, with threonine, which is neutral and polar, at codon 629 of the GUSB protein (p.Ile629Thr). This variant is not present in population databases (gnomAD no frequency). This variant has not been reported in the literature in individuals affected with GUSB-related conditions. Algorithms developed to predict the effect of missense changes on protein structure and function are either unavailable or do not agree on the potential impact of this missense change (SIFT: "Tolerated"; PolyPhen-2: "Probably Damaging"; Align-GVGD: "Class C0"). In summary, the available evidence is currently insufficient to determine the role of this variant in disease. Therefore, it has been classified as a Variant of Uncertain Significance.